The following is an entry in ClinVar:

NM_000238.4(KCNH2):c.2704C>T (p.Pro902Ser)

Gene: KCNH2 (potassium voltage-gated channel subfamily H member 2; minus strand). Cytogenetic location: 7q36.1.
Variant type: single nucleotide variant.
Coding change: c.2704C>T on transcript NM_000238.4 (MANE Select); coding-DNA position 2704, C replaced by T.
Protein change: p.Pro902Ser; replaces proline 902 with serine.
Molecular consequence: missense variant.
Genome position (GRCh38, 1-based): chr7:150,947,867, G>A on the plus strand (C>T on the coding strand, the complement: KCNH2 is on the minus strand). VCF-style: chr7-150947867-G-A. GRCh37 (hg19) VCF-style: chr7-150644955-G-A.
Other names: c.2416C>T, p.Pro806Ser (NM_001406753.1); c.1684C>T, p.Pro562Ser (NM_172057.3); short protein forms P562S, P806S, P902S.
Identifiers: ClinVar variation 2047809 (VCV002047809.4), dbSNP rs2486008737, ClinGen allele CA369853549.

ClinVar aggregate classification (germline): Uncertain significance (1 of 4 stars; one submission).

Conditions:
Long QT syndrome (LQTS). Identifiers: MedGen C0023976, MeSH D008133, MONDO:0002442. Disease mechanism: loss of function. Inheritance: Various modes of inheritance.

Submission:

Labcorp Genetics (formerly Invitae), Labcorp
Classification: Uncertain significance for Long QT syndrome. Last evaluated: 2022-08-19. Review status: criteria provided, single submitter. Criteria: Invitae Variant Classification Sherloc (09022015). Collection method: clinical testing. Allele origin: germline.
Comment: This variant is not present in population databases (gnomAD no frequency). This variant has not been reported in the literature in individuals affected with KCNH2-related conditions. Algorithms developed to predict the effect of missense changes on protein structure and function output the following: SIFT: "Tolerated"; PolyPhen-2: "Benign"; Align-GVGD: "Class C0". The serine amino acid residue is found in multiple mammalian species, which suggests that this missense change does not adversely affect protein function. In summary, the available evidence is currently insufficient to determine the role of this variant in disease. Therefore, it has been classified as a Variant of Uncertain Significance. This sequence change replaces proline, which is neutral and non-polar, with serine, which is neutral and polar, at codon 902 of the KCNH2 protein (p.Pro902Ser).